The following is an entry in ClinVar:

NM_013296.5(GPSM2):c.414+4A>G

Gene: GPSM2 (G protein signaling modulator 2; plus strand). Cytogenetic location: 1p13.3.
Variant type: single nucleotide variant.
Coding change: c.414+4A>G on transcript NM_013296.5 (MANE Select); 4 bases into the intron after coding-DNA position 414, A replaced by G.
Molecular consequence: intron variant.
Genome position (GRCh38, 1-based): chr1:108,897,631, A>G. VCF-style: chr1-108897631-A-G. GRCh37 (hg19) VCF-style: chr1-109440253-A-G.
Other names: c.414+4A>G (NM_001321038.2, NM_001321039.3).
Identifiers: ClinVar variation 1313054 (VCV001313054.2), dbSNP rs772568862, ClinGen allele CA982788.

ClinVar aggregate classification (germline): Uncertain significance (1 of 4 stars; one submission).

Allele frequency attached by ClinVar (database versions not stated): TOPMed below 0.00001; gnomAD 0.00001; gnomAD exomes 0.00001 and 0.00002; ExAC 0.00002.
gnomAD v4.1: 33 of 1,611,638 alleles (0.002%); highest among the groups gnomAD compares: South Asian, 0.0088%; no homozygotes.

Submission:

GeneDx
Classification: Uncertain significance. Last evaluated: 2020-07-08. Review status: criteria provided, single submitter. Criteria: GeneDx Variant Classification Process June 2021. Collection method: clinical testing. Allele origin: germline. Affected: yes.
Comment: Not observed at a significant frequency in large population cohorts (Lek et al., 2016); In-silico analysis, which includes splice predictors and evolutionary conservation, is inconclusive as to whether the variant alters gene splicing. In the absence of RNA/functional studies, the actual effect of this sequence change is unknown.; Has not been previously published as pathogenic or benign to our knowledge